The following is an entry in ClinVar:

NM_000836.4(GRIN2D):c.1414C>A (p.Pro472Thr)

Gene: GRIN2D (glutamate ionotropic receptor NMDA type subunit 2D; plus strand). Cytogenetic location: 19q13.33.
Variant type: single nucleotide variant.
Coding change: c.1414C>A on transcript NM_000836.4 (MANE Select); coding-DNA position 1414, C replaced by A.
Protein change: p.Pro472Thr; replaces proline 472 with threonine.
Molecular consequence: missense variant.
Genome position (GRCh38, 1-based): chr19:48,414,865, C>A. VCF-style: chr19-48414865-C-A. GRCh37 (hg19) VCF-style: chr19-48918122-C-A.
Other names: short protein forms P472T.
Identifiers: ClinVar variation 2884085 (VCV002884085.3), dbSNP rs1970923406, ClinGen allele CA406695545.

ClinVar aggregate classification (germline): Uncertain significance (1 of 4 stars; one submission).

Allele frequency attached by ClinVar (database versions not stated): gnomAD 0.00001.
gnomAD v4.1: 10 of 1,613,956 alleles (0.00062%); highest among the groups gnomAD compares: East Asian, 0.022%; no homozygotes.

Submission:

Labcorp Genetics (formerly Invitae), Labcorp
Classification: Uncertain significance. Last evaluated: 2023-06-30. Review status: criteria provided, single submitter. Criteria: Invitae Variant Classification Sherloc (09022015). Collection method: clinical testing. Allele origin: germline.
Comment: This sequence change replaces proline, which is neutral and non-polar, with threonine, which is neutral and polar, at codon 472 of the GRIN2D protein (p.Pro472Thr). This variant is not present in population databases (gnomAD no frequency). This variant has not been reported in the literature in individuals affected with GRIN2D-related conditions. In summary, the available evidence is currently insufficient to determine the role of this variant in disease. Therefore, it has been classified as a Variant of Uncertain Significance. An algorithm developed to predict the effect of missense changes on protein structure and function (PolyPhen-2) suggests that this variant is likely to be tolerated.